The following is an entry in ClinVar:

NM_000260.4(MYO7A):c.5182C>T (p.His1728Tyr)

Gene: MYO7A (myosin VIIA; plus strand). Cytogenetic location: 11q13.5.
Variant type: single nucleotide variant.
Coding change: c.5182C>T on transcript NM_000260.4 (MANE Select); coding-DNA position 5182, C replaced by T.
Protein change: p.His1728Tyr; replaces histidine 1728 with tyrosine.
Molecular consequence: missense variant.
Genome position (GRCh38, 1-based): chr11:77,203,073, C>T. VCF-style: chr11-77203073-C-T. GRCh37 (hg19) VCF-style: chr11-76914118-C-T.
Other names: c.5068C>T, p.His1690Tyr (NM_001127180.2); c.5035C>T, p.His1679Tyr (NM_001369365.1); short protein forms H1679Y, H1690Y, H1728Y.
Identifiers: ClinVar variation 1011911 (VCV001011911.6), dbSNP rs1957181888, ClinGen allele CA381952009.

ClinVar aggregate classification (germline): Uncertain significance (1 of 4 stars; one submission).

Allele frequency attached by ClinVar (database versions not stated): gnomAD exomes below 0.00001.
gnomAD v4.1: 2 of 1,548,056 alleles (0.00013%); highest among the groups gnomAD compares: Non-Finnish European, 0.00017%; no homozygotes.

Submission:

Labcorp Genetics (formerly Invitae), Labcorp
Classification: Uncertain significance. Last evaluated: 2021-08-30. Review status: criteria provided, single submitter. Criteria: Invitae Variant Classification Sherloc (09022015). Collection method: clinical testing. Allele origin: germline.
Comment: This sequence change replaces histidine with tyrosine at codon 1728 of the MYO7A protein (p.His1728Tyr). The histidine residue is moderately conserved and there is a moderate physicochemical difference between histidine and tyrosine. This variant is not present in population databases (ExAC no frequency). This variant has not been reported in the literature in individuals affected with MYO7A-related conditions. Algorithms developed to predict the effect of missense changes on protein structure and function are either unavailable or do not agree on the potential impact of this missense change (SIFT: "Tolerated"; PolyPhen-2: "Possibly Damaging"; Align-GVGD: "Class C0"). In summary, the available evidence is currently insufficient to determine the role of this variant in disease. Therefore, it has been classified as a Variant of Uncertain Significance.